The following is an entry in ClinVar:

ClinVar aggregate classification (germline): Uncertain significance (1 of 4 stars; one submission).

Conditions:
Nemaline myopathy 8 (NEM8). Also called: Nemaline myopathy 8, autosomal recessive. Identifiers: Orphanet 171430, MedGen C3809209, MONDO:0014138, OMIM 615348.

Submission:

Labcorp Genetics (formerly Invitae), Labcorp
Classification: Uncertain significance for Nemaline myopathy 8. Last evaluated: 2022-08-16. Review status: criteria provided, single submitter. Criteria: Invitae Variant Classification Sherloc (09022015). Collection method: clinical testing. Allele origin: germline.
Comment: This sequence change replaces arginine, which is basic and polar, with proline, which is neutral and non-polar, at codon 240 of the KLHL40 protein (p.Arg240Pro). This variant is not present in population databases (gnomAD no frequency). This variant has not been reported in the literature in individuals affected with KLHL40-related conditions. In summary, the available evidence is currently insufficient to determine the role of this variant in disease. Therefore, it has been classified as a Variant of Uncertain Significance. Algorithms developed to predict the effect of missense changes on protein structure and function are either unavailable or do not agree on the potential impact of this missense change (SIFT: "Deleterious"; PolyPhen-2: "Benign"; Align-GVGD: "Class C0").

NM_152393.4(KLHL40):c.719G>C (p.Arg240Pro)

Gene: KLHL40 (kelch like family member 40; plus strand). Cytogenetic location: 3p22.1.
Variant type: single nucleotide variant.
Coding change: c.719G>C on transcript NM_152393.4 (MANE Select); coding-DNA position 719, G replaced by C.
Protein change: p.Arg240Pro; replaces arginine 240 with proline.
Molecular consequence: missense variant.
Genome position (GRCh38, 1-based): chr3:42,686,337, G>C. VCF-style: chr3-42686337-G-C. GRCh37 (hg19) VCF-style: chr3-42727829-G-C.
Other names: short protein forms R240P.
Identifiers: ClinVar variation 1716553 (VCV001716553.5), dbSNP rs894967112, ClinGen allele CA352290597.